The following is an entry in ClinVar:

NM_203288.2(RP9):c.99G>C (p.Lys33Asn)

Genes: RP9 (RP9 pre-mRNA splicing factor; minus strand), LOC129998224 (ATAC-STARR-seq lymphoblastoid silent region 18089; plus strand). Cytogenetic location: 7p14.3.
Variant type: single nucleotide variant.
Coding change: c.99G>C on transcript NM_203288.2 (MANE Select); coding-DNA position 99, G replaced by C.
Protein change: p.Lys33Asn; replaces lysine 33 with asparagine.
Molecular consequence: missense variant.
Genome position (GRCh38, 1-based): chr7:33,109,274, C>G on the plus strand (G>C on the coding strand, the complement: RP9 is on the minus strand). VCF-style: chr7-33109274-C-G. GRCh37 (hg19) VCF-style: chr7-33148886-C-G.
Other names: short protein forms K33N.
Identifiers: ClinVar variation 2972986 (VCV002972986.3), dbSNP rs1360138251, ClinGen allele CA367185283.

ClinVar aggregate classification (germline): Uncertain significance (1 of 4 stars; one submission).

Allele frequency attached by ClinVar (database versions not stated): gnomAD 0.00001; gnomAD exomes below 0.00001.
gnomAD v4.1: 3 of 1,491,242 alleles (0.0002%); highest among the groups gnomAD compares: Admixed American, 0.0065%; no homozygotes.

Submission:

Labcorp Genetics (formerly Invitae), Labcorp
Classification: Uncertain significance. Last evaluated: 2026-02-03. Review status: criteria provided, single submitter. Criteria: Invitae Variant Classification Sherloc (09022015). Collection method: clinical testing. Allele origin: germline.
Comment: This sequence change replaces lysine, which is basic and polar, with asparagine, which is neutral and polar, at codon 33 of the RP9 protein (p.Lys33Asn). The frequency data for this variant in the population databases is considered unreliable, as metrics indicate poor data quality at this position in the gnomAD database. This variant has not been reported in the literature in individuals affected with RP9-related conditions. ClinVar contains an entry for this variant (Variation ID: 2972986). An algorithm developed to predict the effect of missense changes on protein structure and function (PolyPhen-2) suggests that this variant is likely to be disruptive. In summary, the available evidence is currently insufficient to determine the role of this variant in disease. Therefore, it has been classified as a Variant of Uncertain Significance.